The following is an entry in ClinVar:

NM_001040108.2(MLH3):c.4053G>A (p.Leu1351=)

Gene: MLH3 (mutL homolog 3; minus strand). Cytogenetic location: 14q24.3.
Variant type: single nucleotide variant.
Coding change: c.4053G>A on transcript NM_001040108.2 (MANE Select); coding-DNA position 4053, G replaced by A.
Protein change: p.Leu1351=; no amino-acid change (leucine 1351 retained).
Molecular consequence: synonymous variant.
Genome position (GRCh38, 1-based): chr14:75,022,851, C>T on the plus strand (G>A on the coding strand, the complement: MLH3 is on the minus strand). VCF-style: chr14-75022851-C-T. GRCh37 (hg19) VCF-style: chr14-75489554-C-T.
Other names: c.3981G>A, p.Leu1327= (NM_014381.3).
Identifiers: ClinVar variation 1737389 (VCV001737389.3), dbSNP rs148335516, ClinGen allele CA7275242.

ClinVar aggregate classification (germline): Benign/Likely benign. Review status: criteria provided, multiple submitters, no conflicts (2 of 4 stars). 2 submissions from 2 submitters: Benign (1); Likely benign (1). Last evaluated 2026-05-06.

Conditions:
Colorectal cancer, hereditary nonpolyposis, type 7. Identifiers: Orphanet 144, MedGen C1858380, MONDO:0013725, OMIM 614385.

Allele frequency attached by ClinVar (database versions not stated): gnomAD exomes 0.00001; ExAC 0.00001; gnomAD 0.00003; ESP Exome Variant Server 0.00008.
gnomAD v4.1: 7 of 1,613,974 alleles (0.00043%); highest among the groups gnomAD compares: African/African-American, 0.0093%; no homozygotes.

Submissions (2):

Myriad Genetics, Inc.
Classification: Benign for Colorectal cancer, hereditary nonpolyposis, type 7. Last evaluated: 2026-05-06. Review status: criteria provided, single submitter. Criteria: Myriad Autosomal Dominant, Autosomal Recessive and X-Linked Classification Criteria (2023). Collection method: clinical testing. Allele origin: unknown.
Comment: This variant is considered benign. This variant is a silent/synonymous amino acid change and it is not expected to impact splicing.

Ambry Genetics
Classification: Likely benign. Last evaluated: 2019-08-08. Review status: criteria provided, single submitter. Criteria: Ambry Variant Classification Scheme 2023. Collection method: clinical testing. Allele origin: germline.